The following is an entry in ClinVar:

NM_015450.3(POT1):c.1807T>A (p.Leu603Met)

Gene: POT1 (protection of telomeres 1; minus strand). Cytogenetic location: 7q31.33.
Variant type: single nucleotide variant.
Coding change: c.1807T>A on transcript NM_015450.3 (MANE Select); coding-DNA position 1807, T replaced by A.
Protein change: p.Leu603Met; replaces leucine 603 with methionine.
Molecular consequence: missense variant. On other transcripts: non-coding transcript variant (3).
Genome position (GRCh38, 1-based): chr7:124,824,060, A>T on the plus strand (T>A on the coding strand, the complement: POT1 is on the minus strand). VCF-style: chr7-124824060-A-T. GRCh37 (hg19) VCF-style: chr7-124464114-A-T.
Other names: c.1807T>A (NM_015450.2); c.1414T>A, p.Leu472Met (NM_001042594.2); short protein forms L472M, L603M.
Identifiers: ClinVar variation 3669262 (VCV003669262.3).

ClinVar aggregate classification (germline): Uncertain significance. Review status: criteria provided, multiple submitters, no conflicts (2 of 4 stars). 2 submissions from 2 submitters: Uncertain significance (2). Last evaluated 2025-09-26.

Conditions:
Hereditary cancer-predisposing syndrome. Also called: Neoplastic Syndromes, Hereditary; Tumor predisposition; Hereditary Cancer Syndrome; Hereditary neoplastic syndrome. Identifiers: Orphanet 140162, MedGen C0027672, MeSH D009386, MONDO:0015356.
Tumor predisposition syndrome 3 (TPDS3). Also called: Glioma susceptibility 9; LONG TELOMERE SYNDROME, POT1-RELATED; POT1 Tumor Predisposition; Melanoma, cutaneous malignant, susceptibility to, 10. Identifiers: Orphanet 618, MedGen C4014476, MONDO:0014368, OMIM 615848.

Submissions (2):

Ambry Genetics
Classification: Uncertain significance for Hereditary cancer-predisposing syndrome. Last evaluated: 2025-09-26. Review status: criteria provided, single submitter. Criteria: Ambry Variant Classification Scheme 2023. Collection method: clinical testing. Allele origin: germline.
Comment: The p.L603M variant (also known as c.1807T>A), located in coding exon 15 of the POT1 gene, results from a T to A substitution at nucleotide position 1807. The leucine at codon 603 is replaced by methionine, an amino acid with highly similar properties. This amino acid position is conserved. In addition, this alteration is predicted to be tolerated by in silico analysis. Based on the available evidence, the clinical significance of this variant remains unclear.

Labcorp Genetics (formerly Invitae), Labcorp
Classification: Uncertain significance for Tumor predisposition syndrome 3. Last evaluated: 2024-04-18. Review status: criteria provided, single submitter. Criteria: Invitae Variant Classification Sherloc (09022015). Collection method: clinical testing. Allele origin: germline.
Comment: This sequence change replaces leucine, which is neutral and non-polar, with methionine, which is neutral and non-polar, at codon 603 of the POT1 protein (p.Leu603Met). This variant is not present in population databases (gnomAD no frequency). This variant has not been reported in the literature in individuals affected with POT1-related conditions. Advanced modeling of protein sequence and biophysical properties (such as structural, functional, and spatial information, amino acid conservation, physicochemical variation, residue mobility, and thermodynamic stability) performed at Invitae indicates that this missense variant is not expected to disrupt POT1 protein function with a negative predictive value of 80%. In summary, the available evidence is currently insufficient to determine the role of this variant in disease. Therefore, it has been classified as a Variant of Uncertain Significance.